The following is an entry in ClinVar:

NM_004385.5(VCAN):c.2576A>G (p.Asp859Gly)

Gene: VCAN (versican; plus strand). Cytogenetic location: 5q14.3.
Variant type: single nucleotide variant.
Coding change: c.2576A>G on transcript NM_004385.5 (MANE Select); coding-DNA position 2576, A replaced by G.
Protein change: p.Asp859Gly; replaces aspartic acid 859 with glycine.
Molecular consequence: missense variant. On other transcripts: intron variant (2).
Genome position (GRCh38, 1-based): chr5:83,520,882, A>G. VCF-style: chr5-83520882-A-G. GRCh37 (hg19) VCF-style: chr5-82816701-A-G.
Other names: c.2576A>G, p.Asp859Gly (NM_001164098.2); c.1042+8486A>G (NM_001164097.2, NM_001126336.3); short protein forms D859G.
Identifiers: ClinVar variation 2982600 (VCV002982600.3), dbSNP rs2479053206, ClinGen allele CA360304227.

ClinVar aggregate classification (germline): Uncertain significance (1 of 4 stars; one submission).

Allele frequency attached by ClinVar (database versions not stated): gnomAD exomes below 0.00001.
gnomAD v4.1: 1 of 1,614,164 alleles (0.000062%); highest among the groups gnomAD compares: Non-Finnish European, 0.000085%; no homozygotes.

Submission:

Labcorp Genetics (formerly Invitae), Labcorp
Classification: Uncertain significance. Last evaluated: 2023-05-17. Review status: criteria provided, single submitter. Criteria: Invitae Variant Classification Sherloc (09022015). Collection method: clinical testing. Allele origin: germline.
Comment: This missense change has been observed in individual(s) with clinical features of retinitis pigmentosa (Invitae). Algorithms developed to predict the effect of missense changes on protein structure and function output the following: SIFT: "Not Available"; PolyPhen-2: "Benign"; Align-GVGD: "Not Available". The glycine amino acid residue is found in multiple mammalian species, which suggests that this missense change does not adversely affect protein function. In summary, the available evidence is currently insufficient to determine the role of this variant in disease. Therefore, it has been classified as a Variant of Uncertain Significance. This sequence change replaces aspartic acid, which is acidic and polar, with glycine, which is neutral and non-polar, at codon 859 of the VCAN protein (p.Asp859Gly). This variant is not present in population databases (gnomAD no frequency).